The following is an entry in ClinVar:

NM_017721.5(CC2D1A):c.2125+1G>T

Gene: CC2D1A (coiled-coil and C2 domain containing 1A; plus strand). Cytogenetic location: 19p13.12.
Variant type: single nucleotide variant.
Coding change: c.2125+1G>T on transcript NM_017721.5 (MANE Select); the canonical splice donor site of the intron after coding-DNA position 2125, G replaced by T.
Molecular consequence: splice donor variant.
Genome position (GRCh38, 1-based): chr19:13,926,873, G>T. VCF-style: chr19-13926873-G-T. GRCh37 (hg19) VCF-style: chr19-14037686-G-T.
Other names: NM_017721.5:c.2125+1G>T; c.2125+1G>T (NM_001411138.1).
Identifiers: ClinVar variation 1684587 (VCV001684587.7), dbSNP rs1971662595, ClinGen allele CA404395415.

ClinVar aggregate classification (germline): Likely pathogenic (1 of 4 stars; one submission).

Submissions (3):

Labcorp Genetics (formerly Invitae), Labcorp
Classification: Likely pathogenic. Last evaluated: 2023-09-10. Review status: criteria provided, single submitter. Criteria: Invitae Variant Classification Sherloc (09022015). Collection method: clinical testing. Allele origin: germline.
Comment: In summary, the currently available evidence indicates that the variant is pathogenic, but additional data are needed to prove that conclusively. Therefore, this variant has been classified as Likely Pathogenic. ClinVar contains an entry for this variant (Variation ID: 1684587). This variant has not been reported in the literature in individuals affected with CC2D1A-related conditions. This variant is not present in population databases (gnomAD no frequency). This sequence change affects a donor splice site in intron 20 of the CC2D1A gene. It is expected to disrupt RNA splicing. Variants that disrupt the donor or acceptor splice site typically lead to a loss of protein function (PMID: 16199547), and loss-of-function variants in CC2D1A are known to be pathogenic (PMID: 16033914).

Dr. Peter K. Rogan Lab, Western University
No classification provided (evidence only). Condition: Colon adenocarcinoma. Review status: no classification provided. Collection method: in vitro. Allele origin: not applicable. Functional consequence: skipped exon, retained intron. Not counted in ClinVar's aggregate classification.

MutSpliceDB: a database of splice sites variants effects on splicing, NIH
No classification provided (evidence only). Review status: no classification provided. Collection method: in vivo. Allele origin: not applicable. Functional consequence: retained intron. Not counted in ClinVar's aggregate classification.

Literature cited by the submitters: PubMed 16199547 (cited by Labcorp Genetics (formerly Invitae), Labcorp); PubMed 16033914 (cited by Labcorp Genetics (formerly Invitae), Labcorp).